The following is an entry in ClinVar:

NM_000257.4(MYH7):c.4300C>G (p.Arg1434Gly)

Genes: MHRT (myosin heavy chain associated RNA transcript; plus strand), MYH7 (myosin heavy chain 7; minus strand). Cytogenetic location: 14q11.2.
Variant type: single nucleotide variant.
Coding change: c.4300C>G on transcript NM_000257.4 (MANE Select); coding-DNA position 4300, C replaced by G.
Protein change: p.Arg1434Gly; replaces arginine 1434 with glycine.
Molecular consequence: missense variant. On other transcripts: non-coding transcript variant (1).
Genome position (GRCh38, 1-based): chr14:23,417,556, G>C on the plus strand (C>G on the coding strand, the complement: MYH7 is on the minus strand). VCF-style: chr14-23417556-G-C. GRCh37 (hg19) VCF-style: chr14-23886765-G-C.
Other names: short protein forms R1434G.
Identifiers: ClinVar variation 1008293 (VCV001008293.8), dbSNP rs730880800, ClinGen allele CA389040172.

ClinVar aggregate classification (germline): Likely pathogenic (1 of 4 stars; one submission).

Conditions:
Hypertrophic cardiomyopathy. Also called: HYPERTROPHIC MYOCARDIOPATHY. Identifiers: Orphanet 217569, MedGen C0007194, MeSH D002312, MONDO:0005045, HP:0001639.

Submission:

Labcorp Genetics (formerly Invitae), Labcorp
Classification: Likely pathogenic for Hypertrophic cardiomyopathy. Last evaluated: 2025-10-27. Review status: criteria provided, single submitter. Criteria: Invitae Variant Classification Sherloc (09022015). Collection method: clinical testing. Allele origin: germline.
Comment: This sequence change replaces arginine, which is basic and polar, with glycine, which is neutral and non-polar, at codon 1434 of the MYH7 protein (p.Arg1434Gly). This variant is not present in population databases (gnomAD no frequency). This missense change has been observed in individual(s) with nonischemic cardiomyopathy (internal data). ClinVar contains an entry for this variant (Variation ID: 1008293). Invitae Evidence Modeling of protein sequence and biophysical properties (such as structural, functional, and spatial information, amino acid conservation, physicochemical variation, residue mobility, and thermodynamic stability) indicates that this missense variant is expected to disrupt MYH7 protein function with a positive predictive value of 95%. This variant disrupts the p.Arg1434 amino acid residue in MYH7. Other variant(s) that disrupt this residue have been determined to be pathogenic (PMID: 21750094, 24119082, 27519903, 27532257; internal data). This suggests that this residue is clinically significant, and that variants that disrupt this residue are likely to be disease-causing. In summary, the currently available evidence indicates that the variant is pathogenic, but additional data are needed to prove that conclusively. Therefore, this variant has been classified as Likely Pathogenic.

Literature cited by the submitters: PubMed 21750094; PubMed 24119082; PubMed 27519903; PubMed 27532257.